The following is an entry in ClinVar:

ClinVar aggregate classification (germline): Pathogenic (1 of 4 stars; one submission).

Submission:

Labcorp Genetics (formerly Invitae), Labcorp
Classification: Pathogenic. Last evaluated: 2022-10-15. Review status: criteria provided, single submitter. Criteria: Invitae Variant Classification Sherloc (09022015). Collection method: clinical testing. Allele origin: germline.
Comment: This sequence change creates a premature translational stop signal (p.Thr366Asnfs*8) in the SEPSECS gene. It is expected to result in an absent or disrupted protein product. Loss-of-function variants in SEPSECS are known to be pathogenic (PMID: 25558065, 25590979, 26115735). This variant is not present in population databases (gnomAD no frequency). For these reasons, this variant has been classified as Pathogenic. This variant has not been reported in the literature in individuals affected with SEPSECS-related conditions.

Literature cited by the submitters: PubMed 25558065; PubMed 25590979; PubMed 26115735.

NM_016955.4(SEPSECS):c.1097del (p.Thr366fs)

Gene: SEPSECS (Sep (O-phosphoserine) tRNA:Sec (selenocysteine) tRNA synthase; minus strand). Cytogenetic location: 4p15.2.
Variant type: Deletion.
Coding change: c.1097del on transcript NM_016955.4 (MANE Select); coding-DNA position 1097, one base deleted (C; older notation c.1097delC).
Protein change: p.Thr366fs; shifts the reading frame from threonine 366.
Molecular consequence: frameshift variant.
Genome position (GRCh38, 1-based): chr4:25,127,287, G deleted on the plus strand (C on the coding strand, the reverse complement: SEPSECS is on the minus strand). VCF-style (leftmost placement, unchanged base first): chr4-25127286-TG-T. GRCh37 (hg19) VCF-style: chr4-25128908-TG-T.
Other names: c.1352del, p.Thr451fs (NM_001410714.1); c.1097delC, p.Thr366Asnfs (NM_153825.2); short protein forms T451fs, T366fs.
Identifiers: ClinVar variation 2873162 (VCV002873162.3), dbSNP rs2474632246, ClinGen allele CA2739270034.